The following is an entry in ClinVar:

ClinVar aggregate classification (germline): Likely pathogenic (1 of 4 stars; one submission).

Conditions:
Osteogenesis imperfecta type III (OI3). Also called: Osteogenesis imperfecta type 3; OI type 3; Osteogenesis imperfecta, progressively deforming with normal sclerae; OI type III; Progressively Deforming Osteogenesis Imperfecta. Identifiers: Orphanet 216812, Orphanet 666, MedGen C0268362, MONDO:0009804, OMIM 259420.

Submission:

Juno Genomics, Hangzhou Juno Genomics, Inc
Classification: Likely pathogenic for Osteogenesis imperfecta type III. Review status: criteria provided, single submitter. Criteria: ACMG Guidelines, 2015. Collection method: clinical testing. Allele origin: germline. Affected: yes.
Comment: Absent from controls (or at extremely low frequency if recessive) in Genome Aggregation Database, Exome Sequencing Project, 1000 Genomes Project, or Exome Aggregation Consortium.;De novo (both maternity and paternity confirmed) in a patient with the disease and no family history.;Multiple lines of computational evidence support a deleterious effect on the gene or gene product (conservation, evolutionary, splicing impact, etc).;Missense variant in a gene that has a low rate of benign missense variation and where missense variants are a common mechanism of disease.;The prevalence of the variant in affected individuals is significantly increased compared to the prevalence in controls.

NM_000088.4(COL1A1):c.644G>A (p.Gly215Asp)

Gene: COL1A1 (collagen type I alpha 1 chain; minus strand). Cytogenetic location: 17q21.33.
Variant type: single nucleotide variant.
Coding change: c.644G>A on transcript NM_000088.4 (MANE Select); coding-DNA position 644, G replaced by A.
Protein change: p.Gly215Asp; replaces glycine 215 with aspartic acid.
Molecular consequence: missense variant.
Genome position (GRCh38, 1-based): chr17:50,197,784, C>T on the plus strand (G>A on the coding strand, the complement: COL1A1 is on the minus strand). VCF-style: chr17-50197784-C-T. GRCh37 (hg19) VCF-style: chr17-48275145-C-T.
Other names: short protein forms G215D.
Identifiers: ClinVar variation 3382832 (VCV003382832.2).